The following is an entry in ClinVar:

NM_001009944.3(PKD1):c.8017-2del

Gene: PKD1 (polycystin 1, transient receptor potential channel interacting; minus strand). Cytogenetic location: 16p13.3.
Variant type: Deletion.
Coding change: c.8017-2del on transcript NM_001009944.3 (MANE Select); the canonical splice acceptor site of the intron before coding-DNA position 8017, one base deleted (A; older notation c.8017-2delA).
Molecular consequence: splice acceptor variant.
Genome position (GRCh38, 1-based): chr16:2,104,644, T deleted on the plus strand (A on the coding strand, the reverse complement: PKD1 is on the minus strand). VCF-style (leftmost placement, unchanged base first): chr16-2104643-CT-C. GRCh37 (hg19) VCF-style: chr16-2154644-CT-C.
Other names: c.8017-2del (NM_000296.4).
Identifiers: ClinVar variation 4857294 (VCV004857294.1).

ClinVar aggregate classification (germline): Pathogenic (1 of 4 stars; one submission).

Conditions:
Polycystic kidney disease, adult type (PKD1). Also called: POLYCYSTIC KIDNEY DISEASE, ADULT, TYPE I; Polycystic Kidney Disease 1, Autosomal Dominant; Polycystic kidney disease 1; Polycystic kidney disease 1, severe; Polycystic Kidney, Autosomal Dominant; POLYCYSTIC KIDNEY DISEASE 1 WITH OR WITHOUT POLYCYSTIC LIVER DISEASE. Identifiers: MedGen C3149841, MONDO:0008263, OMIM 173900.

Submission:

MVZ Medizinische Genetik Mainz
Classification: Pathogenic for Polycystic kidney disease, adult type. Last evaluated: 2026-05-22. Review status: criteria provided, single submitter. Criteria: UK Practice Guidelines For Variant Classification V4 01 2020. Collection method: clinical testing. Allele origin: germline. Inheritance: Autosomal dominant inheritance. Affected: yes. Observed: 1 variant allele.
Comment: ACMG Criteria: PVS1,PS1_SUP,PM2_SUP,PP4